The following is an entry in ClinVar:

NM_006031.6(PCNT):c.3980C>T (p.Ala1327Val)

Gene: PCNT (pericentrin; plus strand). Cytogenetic location: 21q22.3.
Variant type: single nucleotide variant.
Coding change: c.3980C>T on transcript NM_006031.6 (MANE Select); coding-DNA position 3980, C replaced by T.
Protein change: p.Ala1327Val; replaces alanine 1327 with valine.
Molecular consequence: missense variant.
Genome position (GRCh38, 1-based): chr21:46,390,809, C>T. VCF-style: chr21-46390809-C-T. GRCh37 (hg19) VCF-style: chr21-47810724-C-T.
Other names: c.3626C>T, p.Ala1209Val (NM_001315529.2); short protein forms A1327V, A1209V.
Identifiers: ClinVar variation 4986319 (VCV004986319.1).

ClinVar aggregate classification (germline): Uncertain significance (1 of 4 stars; one submission).

Conditions:
PCNT-related disorder. Also called: PCNT-related condition.

gnomAD v4.1: 76 of 1,609,656 alleles (0.0047%); highest among the groups gnomAD compares: Non-Finnish European, 0.0059%; no homozygotes.

Submission:

PreventionGenetics, part of Exact Sciences
Classification: Uncertain significance for PCNT-related condition. Last evaluated: 2025-10-28. Review status: criteria provided, single submitter. Criteria: ACMG Guidelines, 2015. Collection method: clinical testing. Allele origin: germline.
Comment: The PCNT c.3980C>T variant is predicted to result in the amino acid substitution p.Ala1327Val. To our knowledge, this variant has not been reported in the literature. This variant is reported in 0.0033% of alleles in individuals of South Asian descent in gnomAD. At this time, the clinical significance of this variant is uncertain due to the absence of conclusive functional and genetic evidence.